The following is an entry in ClinVar:

NM_000255.4(MMUT):c.500_501del (p.Val167fs)

Gene: MMUT (methylmalonyl-CoA mutase; minus strand). Cytogenetic location: 6p12.3.
Variant type: Microsatellite.
Coding change: c.500_501del on transcript NM_000255.4 (MANE Select); coding-DNA positions 500 to 501, 2 bases deleted (TG; older notation c.500_501delTG).
Protein change: p.Val167fs; shifts the reading frame from valine 167.
Molecular consequence: frameshift variant.
Genome position (GRCh38, 1-based): chr6:49,457,943-49,457,944, CA deleted on the plus strand (TG on the coding strand, the reverse complement: MMUT is on the minus strand); deleting any 2 consecutive bases within chr6:49,457,943-49,457,946 gives the same sequence; the c. name uses the placement nearest the transcript's 3' end. VCF-style (leftmost placement, unchanged base first): chr6-49457942-CCA-C. GRCh37 (hg19) VCF-style: chr6-49425655-CCA-C.
Other names: short protein forms V167fs.
Identifiers: ClinVar variation 5015207 (VCV005015207.1).
Genomic context (GRCh38, chr6:49,457,942, plus strand): 5'-TAGTCATGGAAACTGACATTTTTTCTAAAGGAATTCCATCAAAAAGAATTTTGGTATCTT[CCA>C]CAGTGTCAATAGCAACTCCAGCCATTCCAACATCACCACGAACTCGAGGGTTGTCTGAAT-3'

ClinVar aggregate classification (germline): Pathogenic (1 of 4 stars; one submission).

Conditions:
Methylmalonic aciduria due to methylmalonyl-CoA mutase deficiency (MAMM). Also called: Methylmalonic aciduria, mut type. Identifiers: Orphanet 27, MedGen C1855114, MONDO:0009612, OMIM 251000.

Submission:

Myriad Genetics, Inc.
Classification: Pathogenic for Methylmalonic aciduria due to methylmalonyl-CoA mutase deficiency. Last evaluated: 2025-11-13. Review status: criteria provided, single submitter. Criteria: Myriad Autosomal Dominant, Autosomal Recessive and X-Linked Classification Criteria (2023). Collection method: clinical testing. Allele origin: unknown.
Comment: NM_000255.3(MMUT):c.500_501delTG(V167Gfs*8) is expected to be pathogenic in the context of methylmalonic acidemia, MMUT-related. This variant is predicted to lead to an abnormal or absent protein product due to the creation of a premature termination codon in MMUT, a gene where loss-of-function variants are known to be pathogenic. Please note: this variant was assessed in the context of healthy population screening.